The following is an entry in ClinVar:

NM_000038.6(APC):c.6173G>C (p.Gly2058Ala)

Gene: APC (APC regulator of Wnt signaling pathway; plus strand). Cytogenetic location: 5q22.2.
Variant type: single nucleotide variant.
Coding change: c.6173G>C on transcript NM_000038.6 (MANE Select); coding-DNA position 6173, G replaced by C.
Protein change: p.Gly2058Ala; replaces glycine 2058 with alanine.
Molecular consequence: missense variant. On other transcripts: non-coding transcript variant (2).
Genome position (GRCh38, 1-based): chr5:112,841,767, G>C. VCF-style: chr5-112841767-G-C. GRCh37 (hg19) VCF-style: chr5-112177464-G-C.
Other names: c.6173G>C, p.Gly2058Ala (NM_001127510.3, NM_001354895.2, NM_001407450.1); c.6119G>C, p.Gly2040Ala (NM_001127511.3); c.6227G>C, p.Gly2076Ala (NM_001354896.2, NM_001407447.1, NM_001407448.1 and 1 more transcripts); c.6203G>C, p.Gly2068Ala (NM_001354897.2); c.6098G>C, p.Gly2033Ala (NM_001354898.2); c.6089G>C, p.Gly2030Ala (NM_001354899.2); c.6050G>C, p.Gly2017Ala (NM_001354900.2); c.5996G>C, p.Gly1999Ala (NM_001354901.2, NM_001407453.1); and 11 more; short protein forms G1932A, G2017A, G2030A, G2040A, G2076A, G1674A, G1775A, G1957A.
Identifiers: ClinVar variation 4595687 (VCV004595687.1).

ClinVar aggregate classification (germline): Uncertain significance (1 of 4 stars; one submission).

Conditions:
Hereditary cancer-predisposing syndrome. Also called: Neoplastic Syndromes, Hereditary; Tumor predisposition; Hereditary Cancer Syndrome; Hereditary neoplastic syndrome. Identifiers: Orphanet 140162, MedGen C0027672, MeSH D009386, MONDO:0015356.

Submission:

Ambry Genetics
Classification: Uncertain significance for Hereditary cancer-predisposing syndrome. Last evaluated: 2025-12-09. Review status: criteria provided, single submitter. Criteria: Ambry Variant Classification Scheme 2023. Collection method: clinical testing. Allele origin: germline.
Comment: The p.G2058A variant (also known as c.6173G>C), located in coding exon 15 of the APC gene, results from a G to C substitution at nucleotide position 6173. The glycine at codon 2058 is replaced by alanine, an amino acid with similar properties. This amino acid position is conserved. In addition, in silico predictors for this gene do not accurately predict pathogenicity. Based on the available evidence, the clinical significance of this variant remains unclear.